The following is an entry in ClinVar:

NM_002234.4(KCNA5):c.602G>A (p.Arg201His)

Gene: KCNA5 (potassium voltage-gated channel subfamily A member 5; plus strand). Cytogenetic location: 12p13.32.
Variant type: single nucleotide variant.
Coding change: c.602G>A on transcript NM_002234.4 (MANE Select); coding-DNA position 602, G replaced by A.
Protein change: p.Arg201His; replaces arginine 201 with histidine.
Molecular consequence: missense variant.
Genome position (GRCh38, 1-based): chr12:5,044,749, G>A. VCF-style: chr12-5044749-G-A. GRCh37 (hg19) VCF-style: chr12-5153915-G-A.
Other names: c.602G>A (NM_002234.2); short protein forms R201H.
Identifiers: ClinVar variation 881350 (VCV000881350.11), dbSNP rs765380398, ClinGen allele CA231867518.

ClinVar aggregate classification (germline): Uncertain significance. Review status: criteria provided, multiple submitters, no conflicts (2 of 4 stars). 4 submissions from 4 submitters: Uncertain significance (4). Last evaluated 2026-04-03.

Conditions:
KCNA5-related disorder. Also called: KCNA5-related condition.
Inborn genetic diseases. Identifiers: MedGen C0950123, MeSH D030342.
Atrial fibrillation, familial, 7 (ATFB7). Identifiers: MedGen C2677106, MONDO:0012828, OMIM 612240.

Allele frequency attached by ClinVar (database versions not stated): TOPMed 0.00001.

Submissions (4):

PreventionGenetics, part of Exact Sciences
Classification: Uncertain significance for KCNA5-related condition. Last evaluated: 2026-04-03. Review status: criteria provided, single submitter. Criteria: ACMG Guidelines, 2015. Collection method: clinical testing. Allele origin: germline.
Comment: The KCNA5 c.602G>A variant is predicted to result in the amino acid substitution p.Arg201His. To our knowledge, this variant has not been reported in the literature. This variant is reported in 0.012% of alleles in individuals of African descent in gnomAD. At this time, the clinical significance of this variant is uncertain due to the absence of conclusive functional and genetic evidence.

Labcorp Genetics (formerly Invitae), Labcorp
Classification: Uncertain significance for Atrial fibrillation, familial, 7. Last evaluated: 2026-01-15. Review status: criteria provided, single submitter. Criteria: Invitae Variant Classification Sherloc (09022015). Collection method: clinical testing. Allele origin: germline.
Comment: This sequence change replaces arginine, which is basic and polar, with histidine, which is basic and polar, at codon 201 of the KCNA5 protein (p.Arg201His). This variant is present in population databases (rs765380398, gnomAD 0.01%). This variant has not been reported in the literature in individuals affected with KCNA5-related conditions. ClinVar contains an entry for this variant (Variation ID: 881350). Invitae Evidence Modeling of protein sequence and biophysical properties (such as structural, functional, and spatial information, amino acid conservation, physicochemical variation, residue mobility, and thermodynamic stability) indicates that this missense variant is not expected to disrupt KCNA5 protein function with a negative predictive value of 80%. In summary, the available evidence is currently insufficient to determine the role of this variant in disease. Therefore, it has been classified as a Variant of Uncertain Significance.

Ambry Genetics
Classification: Uncertain significance for Inborn genetic diseases. Last evaluated: 2025-07-14. Review status: criteria provided, single submitter. Criteria: Ambry Variant Classification Scheme 2023. Collection method: clinical testing. Allele origin: germline.

Illumina Laboratory Services, Illumina
Classification: Uncertain significance for Atrial fibrillation, familial, 7. Last evaluated: 2018-01-13. Review status: criteria provided, single submitter. Criteria: ICSL Variant Classification Criteria 13 December 2019. Collection method: clinical testing. Allele origin: germline.